The following is an entry in ClinVar:

ClinVar aggregate classification (germline): Uncertain significance. Review status: criteria provided, multiple submitters, no conflicts (2 of 4 stars). 4 submissions from 4 submitters: Uncertain significance (4). Last evaluated 2025-04-25.

Conditions:
Familial adenomatous polyposis 4 (FAP4). Also called: MSH3-related attenuated familial adenomatous polyposis. Identifiers: Orphanet 480536, MedGen C4310719, MONDO:0044300, OMIM 617100.
Endometrial carcinoma. Also called: Endometrial carcinoma, somatic. Identifiers: MedGen C0476089, MONDO:0002447, OMIM 608089, HP:0012114.
Hereditary cancer-predisposing syndrome. Also called: Neoplastic Syndromes, Hereditary; Tumor predisposition; Hereditary neoplastic syndrome; Hereditary Cancer Syndrome. Identifiers: Orphanet 140162, MedGen C0027672, MeSH D009386, MONDO:0015356.

Allele frequency attached by ClinVar (database versions not stated): gnomAD 0.00001.
gnomAD v4.1: 1 of 1,604,112 alleles (0.000062%); highest among the groups gnomAD compares: African/African-American, 0.0013%; no homozygotes.

Submissions (4):

Labcorp Genetics (formerly Invitae), Labcorp
Classification: Uncertain significance. Last evaluated: 2025-04-25. Review status: criteria provided, single submitter. Criteria: Invitae Variant Classification Sherloc (09022015). Collection method: clinical testing. Allele origin: germline.
Comment: This sequence change replaces proline, which is neutral and non-polar, with leucine, which is neutral and non-polar, at codon 346 of the MSH3 protein (p.Pro346Leu). This variant is not present in population databases (gnomAD no frequency). This variant has not been reported in the literature in individuals affected with MSH3-related conditions. ClinVar contains an entry for this variant (Variation ID: 837350). An algorithm developed to predict the effect of missense changes on protein structure and function (PolyPhen-2) suggests that this variant is likely to be tolerated. In summary, the available evidence is currently insufficient to determine the role of this variant in disease. Therefore, it has been classified as a Variant of Uncertain Significance.

Ambry Genetics
Classification: Uncertain significance for Hereditary cancer-predisposing syndrome. Last evaluated: 2025-03-11. Review status: criteria provided, single submitter. Criteria: Ambry Variant Classification Scheme 2023. Collection method: clinical testing. Allele origin: germline.
Comment: The p.P346L variant (also known as c.1037C>T), located in coding exon 7 of the MSH3 gene, results from a C to T substitution at nucleotide position 1037. The proline at codon 346 is replaced by leucine, an amino acid with similar properties. This amino acid position is highly conserved in available vertebrate species. In addition, the in silico prediction for this alteration is inconclusive. Based on the available evidence, the clinical significance of this variant remains unclear.

Center for Genomic Medicine, Rigshospitalet, Copenhagen University Hospital
Classification: Uncertain significance. Last evaluated: 2025-03-04. Review status: criteria provided, single submitter. Criteria: ACMG Guidelines, 2015. Collection method: clinical testing. Allele origin: germline.

Fulgent Genetics
Classification: Uncertain significance for Endometrial carcinoma; Familial adenomatous polyposis 4. Last evaluated: 2024-05-14. Review status: criteria provided, single submitter. Criteria: ACMG Guidelines, 2015. Collection method: clinical testing. Allele origin: germline.

NM_002439.5(MSH3):c.1037C>T (p.Pro346Leu)

Gene: MSH3 (mutS homolog 3; plus strand). Cytogenetic location: 5q14.1.
Variant type: single nucleotide variant.
Coding change: c.1037C>T on transcript NM_002439.5 (MANE Select); coding-DNA position 1037, C replaced by T.
Protein change: p.Pro346Leu; replaces proline 346 with leucine.
Molecular consequence: missense variant.
Genome position (GRCh38, 1-based): chr5:80,674,992, C>T. VCF-style: chr5-80674992-C-T. GRCh37 (hg19) VCF-style: chr5-79970811-C-T.
Other names: short protein forms P346L.
Identifiers: ClinVar variation 837350 (VCV000837350.15), dbSNP rs773569755, ClinGen allele CA360267850.
Genomic context (GRCh38, chr5:80,674,992, plus strand): 5'-TATTAGGATTTAGAATTTAGCATATAATTATTTTTCTTTAATTATTATTAAATGTGAATC[C>T]CCTAATCAAGCTGGATGATGCTGTAAATGTTGATGAGATAATGACTGATACTTCTACCAG-3'
Protein context (NP_002430.3, residues 336-356): KSTLIGEDVN[Pro346Leu]LIKLDDAVNV